The following is an entry in ClinVar:

NM_005802.5(TOPORS):c.1796G>A (p.Ser599Asn)

Gene: TOPORS (TOP1 binding arginine/serine rich protein, E3 ubiquitin ligase; minus strand). Cytogenetic location: 9p21.1.
Variant type: single nucleotide variant.
Coding change: c.1796G>A on transcript NM_005802.5 (MANE Select); coding-DNA position 1796, G replaced by A.
Protein change: p.Ser599Asn; replaces serine 599 with asparagine.
Molecular consequence: missense variant.
Genome position (GRCh38, 1-based): chr9:32,542,729, C>T on the plus strand (G>A on the coding strand, the complement: TOPORS is on the minus strand). VCF-style: chr9-32542729-C-T. GRCh37 (hg19) VCF-style: chr9-32542727-C-T.
Other names: c.1601G>A, p.Ser534Asn (NM_001195622.2); c.1796G>A (NM_005802.4); short protein forms S534N, S599N.
Identifiers: ClinVar variation 3612488 (VCV003612488.3).

ClinVar aggregate classification (germline): Uncertain significance. Review status: criteria provided, multiple submitters, no conflicts (2 of 4 stars). 2 submissions from 2 submitters: Uncertain significance (2). Last evaluated 2025-09-28.

Conditions:
Inborn genetic diseases. Identifiers: MedGen C0950123, MeSH D030342.

gnomAD v4.1: 13 of 1,613,898 alleles (0.00081%); highest among the groups gnomAD compares: African/African-American, 0.017%; no homozygotes.

Submissions (2):

Ambry Genetics
Classification: Uncertain significance for Inborn genetic diseases. Last evaluated: 2025-09-28. Review status: criteria provided, single submitter. Criteria: Ambry Variant Classification Scheme 2023. Collection method: clinical testing. Allele origin: germline.

Labcorp Genetics (formerly Invitae), Labcorp
Classification: Uncertain significance. Last evaluated: 2024-04-15. Review status: criteria provided, single submitter. Criteria: Invitae Variant Classification Sherloc (09022015). Collection method: clinical testing. Allele origin: germline.
Comment: This sequence change replaces serine, which is neutral and polar, with asparagine, which is neutral and polar, at codon 599 of the TOPORS protein (p.Ser599Asn). This variant is present in population databases (rs775261319, gnomAD 0.02%). This variant has not been reported in the literature in individuals affected with TOPORS-related conditions. Experimental studies and prediction algorithms are not available or were not evaluated, and the functional significance of this variant is currently unknown. In summary, the available evidence is currently insufficient to determine the role of this variant in disease. Therefore, it has been classified as a Variant of Uncertain Significance.